The following is an entry in ClinVar:

NM_001110556.2(FLNA):c.1457T>C (p.Val486Ala)

Gene: FLNA (filamin A; minus strand). Cytogenetic location: Xq28.
Variant type: single nucleotide variant.
Coding change: c.1457T>C on transcript NM_001110556.2 (MANE Select); coding-DNA position 1457, T replaced by C.
Protein change: p.Val486Ala; replaces valine 486 with alanine.
Molecular consequence: missense variant.
Genome position (GRCh38, 1-based): chrX:154,365,459, A>G on the plus strand (T>C on the coding strand, the complement: FLNA is on the minus strand). VCF-style: chrX-154365459-A-G. GRCh37 (hg19) VCF-style: chrX-153593827-A-G.
Other names: c.1457T>C, p.Val486Ala (NM_001456.4); short protein forms V486A.
Identifiers: ClinVar variation 2948883 (VCV002948883.3), dbSNP rs2522757907, ClinGen allele CA415243527.

ClinVar aggregate classification (germline): Uncertain significance (1 of 4 stars; one submission).

Conditions:
Oto-palato-digital syndrome, type II (OPD2). Also called: FACIOPALATOOSSEOUS SYNDROME; OPD II SYNDROME; Otopalatodigital Syndrome, Type II; Otopalatodigital Syndrome Type 2 (FLNA-OPD2). Identifiers: Orphanet 669, Orphanet 90652, MedGen C1844696, MONDO:0010571, OMIM 304120.
Heterotopia, periventricular, X-linked dominant (PVNH1). Also called: PERIVENTRICULAR NODULAR HETEROTOPIA 1; X-linked periventricular heterotopia; PERIVENTRICULAR NODULAR HETEROTOPIA 4; HETEROTOPIA, PERIVENTRICULAR, 1. Identifiers: Orphanet 2149, Orphanet 82004, MedGen C1848213, MONDO:0010233, OMIM 300049.
Frontometaphyseal dysplasia (FMD1). Identifiers: Orphanet 1826, MedGen C0265293, MONDO:0015942.
Melnick-Needles syndrome (MNS). Also called: MELNICK-NEEDLES OSTEODYSPLASTY; OSTEODYSPLASTY OF MELNICK AND NEEDLES; Melnick-Needles Syndrome (FLNA-MNS). Identifiers: Orphanet 2484, MedGen C0025237, MONDO:0010650, OMIM 309350.

Submission:

Labcorp Genetics (formerly Invitae), Labcorp
Classification: Uncertain significance for Oto-palato-digital syndrome, type II; Heterotopia, periventricular, X-linked dominant; Frontometaphyseal dysplasia; Melnick-Needles syndrome. Last evaluated: 2023-06-15. Review status: criteria provided, single submitter. Criteria: Invitae Variant Classification Sherloc (09022015). Collection method: clinical testing. Allele origin: germline.
Comment: This sequence change replaces valine, which is neutral and non-polar, with alanine, which is neutral and non-polar, at codon 486 of the FLNA protein (p.Val486Ala). This variant is not present in population databases (gnomAD no frequency). This variant has not been reported in the literature in individuals affected with FLNA-related conditions. Advanced modeling of protein sequence and biophysical properties (such as structural, functional, and spatial information, amino acid conservation, physicochemical variation, residue mobility, and thermodynamic stability) performed at Invitae indicates that this missense variant is not expected to disrupt FLNA protein function. In summary, the available evidence is currently insufficient to determine the role of this variant in disease. Therefore, it has been classified as a Variant of Uncertain Significance.